The following is an entry in ClinVar:

ClinVar aggregate classification (germline): Uncertain significance (1 of 4 stars; one submission).

Submission:

Labcorp Genetics (formerly Invitae), Labcorp
Classification: Uncertain significance. Last evaluated: 2022-06-13. Review status: criteria provided, single submitter. Criteria: Invitae Variant Classification Sherloc (09022015). Collection method: clinical testing. Allele origin: germline.
Comment: A copy number gain of the genomic region encompassing the full coding sequence of the CNGA3 gene has been identified. The boundaries of this event are unknown as they extend beyond the assayed region for this gene and therefore may encompass additional genes. As the precise location of this event is unknown, it may be in tandem or it may be located elsewhere in the genome. This variant has not been reported in the literature in individuals affected with CNGA3-related conditions. Experimental studies and prediction algorithms are not available or were not evaluated, and the functional significance of this variant is currently unknown. In summary, the available evidence is currently insufficient to determine the role of this variant in disease. Therefore, it has been classified as a Variant of Uncertain Significance.

NC_000002.11:g.(?_98986439)_(99013718_?)dup

Gene: CNGA3 (cyclic nucleotide gated channel subunit alpha 3; plus strand). Cytogenetic location: 2q11.2.
Variant type: Duplication.
Identifiers: ClinVar variation 1511639 (VCV001511639.4).